The following is an entry in ClinVar:

NM_033380.3(COL4A5):c.1241C>T (p.Pro414Leu)

Gene: COL4A5 (collagen type IV alpha 5 chain; plus strand). Cytogenetic location: Xq22.3.
Variant type: single nucleotide variant.
Coding change: c.1241C>T on transcript NM_033380.3 (MANE Select); coding-DNA position 1241, C replaced by T.
Protein change: p.Pro414Leu; replaces proline 414 with leucine.
Molecular consequence: missense variant.
Genome position (GRCh38, 1-based): chrX:108,591,133, C>T. VCF-style: chrX-108591133-C-T. GRCh37 (hg19) VCF-style: chrX-107834363-C-T.
Other names: c.1241C>T, p.Pro414Leu (NM_000495.5); short protein forms P414L.
Identifiers: ClinVar variation 3606748 (VCV003606748.2).

ClinVar aggregate classification (germline): Uncertain significance (1 of 4 stars; one submission).

Submission:

Labcorp Genetics (formerly Invitae), Labcorp
Classification: Uncertain significance. Last evaluated: 2025-10-29. Review status: criteria provided, single submitter. Criteria: Invitae Variant Classification Sherloc (09022015). Collection method: clinical testing. Allele origin: germline.
Comment: This sequence change replaces proline, which is neutral and non-polar, with leucine, which is neutral and non-polar, at codon 414 of the COL4A5 protein (p.Pro414Leu). This variant is not present in population databases (gnomAD no frequency). This variant has not been reported in the literature in individuals affected with COL4A5-related conditions. ClinVar contains an entry for this variant (Variation ID: 3606748). Invitae Evidence Modeling of protein sequence and biophysical properties (such as structural, functional, and spatial information, amino acid conservation, physicochemical variation, residue mobility, and thermodynamic stability) has been performed for this missense variant. However, the output from this modeling did not meet the statistical confidence thresholds required to predict the impact of this variant on COL4A5 protein function. In summary, the available evidence is currently insufficient to determine the role of this variant in disease. Therefore, it has been classified as a Variant of Uncertain Significance.